The following is an entry in ClinVar:

ClinVar aggregate classification (germline): Uncertain significance (1 of 4 stars; one submission).

gnomAD v4.1: 34 of 1,614,206 alleles (0.0021%); highest among the groups gnomAD compares: South Asian, 0.023%; no homozygotes.

Submission:

Mayo Clinic Laboratories, Mayo Clinic
Classification: Uncertain significance. Last evaluated: 2024-05-10. Review status: criteria provided, single submitter. Criteria: ACMG Guidelines, 2015. Collection method: clinical testing. Allele origin: germline. Observed: 1 variant allele.
Comment: BP4

NM_207034.3(EDN3):c.425C>T (p.Ala142Val)

Gene: EDN3 (endothelin 3; plus strand). Cytogenetic location: 20q13.32.
Variant type: single nucleotide variant.
Coding change: c.425C>T on transcript NM_207034.3 (MANE Select); coding-DNA position 425, C replaced by T.
Protein change: p.Ala142Val; replaces alanine 142 with valine.
Molecular consequence: missense variant.
Genome position (GRCh38, 1-based): chr20:59,321,076, C>T. VCF-style: chr20-59321076-C-T. GRCh37 (hg19) VCF-style: chr20-57896131-C-T.
Other names: p.Ala142Val; c.425C>T, p.Ala142Val (NM_001302455.2, NM_001302456.2, NM_001424361.1 and 4 more transcripts); short protein forms A142V.
Identifiers: ClinVar variation 3380670 (VCV003380670.1).
Genomic context (GRCh38, chr20:59,321,076, plus strand): 5'-GACAGACGGTGCCCTATGGACTGTCCAACTACAGAGGAAGCTTCCGGGGCAAGAGGTCTG[C>T]GGGGCCACTTCCAGGGAATCTGCAGCTCTCACATCGGCCACACTTGCGCTGCGCTTGTGT-3'
Protein context (NP_996917.1, residues 132-152): YRGSFRGKRS[Ala142Val]GPLPGNLQLS